The following is an entry in ClinVar:

ClinVar aggregate classification (germline): Uncertain significance (1 of 4 stars; one submission).

Submission:

GeneDx
Classification: Uncertain significance. Last evaluated: 2022-04-18. Review status: criteria provided, single submitter. Criteria: GeneDx Variant Classification Process June 2021. Collection method: clinical testing. Allele origin: germline. Affected: yes.
Comment: Not observed in large population cohorts (gnomAD); In silico analysis supports a deleterious effect on splicing; Has not been previously published as pathogenic or benign to our knowledge

NM_000489.6(ATRX):c.7072-3T>G

Gene: ATRX (ATRX chromatin remodeler; minus strand). Cytogenetic location: Xq21.1.
Variant type: single nucleotide variant.
Coding change: c.7072-3T>G on transcript NM_000489.6 (MANE Select); 3 bases into the intron before coding-DNA position 7072, T replaced by G.
Molecular consequence: intron variant.
Genome position (GRCh38, 1-based): chrX:77,520,919, A>C on the plus strand (T>G on the coding strand, the complement: ATRX is on the minus strand). VCF-style: chrX-77520919-A-C. GRCh37 (hg19) VCF-style: chrX-76776397-A-C.
Other names: c.6958-3T>G (NM_138270.5).
Identifiers: ClinVar variation 1683891 (VCV001683891.2), dbSNP rs782686541, ClinGen allele CA2573159521.